The following is an entry in ClinVar:

ClinVar aggregate classification (germline): Uncertain significance (1 of 4 stars; one submission).

Conditions:
Familial thoracic aortic aneurysm and aortic dissection (TAAD). Also called: Thoracic aortic aneurysms and dissections. Identifiers: Orphanet 91387, MedGen C4707243, MONDO:0019625.

Submission:

Ambry Genetics
Classification: Uncertain significance for Familial thoracic aortic aneurysm and aortic dissection. Last evaluated: 2026-07-02. Review status: criteria provided, single submitter. Criteria: Ambry Variant Classification Scheme 2023. Collection method: clinical testing. Allele origin: germline.
Comment: The p.S201T variant (also known as c.601T>A), located in coding exon 4 of the MYH11 gene, results from a T to A substitution at nucleotide position 601. The serine at codon 201 is replaced by threonine, an amino acid with similar properties. This amino acid position is conserved. In addition, the in silico prediction for this alteration is inconclusive. Based on the available evidence, the clinical significance of this variant remains unclear.

NM_002474.3(MYH11):c.601T>A (p.Ser201Thr)

Gene: MYH11 (myosin heavy chain 11; minus strand). Cytogenetic location: 16p13.11.
Variant type: single nucleotide variant.
Coding change: c.601T>A on transcript NM_002474.3 (MANE Select); coding-DNA position 601, T replaced by A.
Protein change: p.Ser201Thr; replaces serine 201 with threonine.
Molecular consequence: missense variant.
Genome position (GRCh38, 1-based): chr16:15,786,662, A>T on the plus strand (T>A on the coding strand, the complement: MYH11 is on the minus strand). VCF-style: chr16-15786662-A-T. GRCh37 (hg19) VCF-style: chr16-15880519-A-T.
Other names: c.601T>A, p.Ser201Thr (NM_001040113.2, NM_001040114.2, NM_022844.3); short protein forms S201T.
Identifiers: ClinVar variation 5025069 (VCV005025069.1).
Genomic context (GRCh38, chr16:15,786,662, plus strand): 5'-TGGCCTCTGATTGGGAACTGCCACTCACCGTGATACTTGTGTCTTTCTTGCCCTTGTGGG[A>T]GGAGGCCACCACGGCCAGGTACTGAATGACCTTCTTGGTGTTTTCGGTTTTCCCGGCTCC-3'
Protein context (NP_002465.1, residues 191-211): VIQYLAVVAS[Ser201Thr]HKGKKDTSIT